The following is an entry in ClinVar:

NM_000059.4(BRCA2):c.704A>G (p.Asn235Ser)

Gene: BRCA2 (BRCA2 DNA repair associated; plus strand). Cytogenetic location: 13q13.1.
Variant type: single nucleotide variant.
Coding change: c.704A>G on transcript NM_000059.4 (MANE Select); coding-DNA position 704, A replaced by G.
Protein change: p.Asn235Ser; replaces asparagine 235 with serine.
Molecular consequence: missense variant.
Genome position (GRCh38, 1-based): chr13:32,330,941, A>G. VCF-style: chr13-32330941-A-G. GRCh37 (hg19) VCF-style: chr13-32905078-A-G.
Other names: short protein forms N235S.
Identifiers: ClinVar variation 132759 (VCV000132759.20), dbSNP rs587780554, ClinGen allele CA024792.

ClinVar aggregate classification (germline): Uncertain significance. Review status: criteria provided, multiple submitters, no conflicts (2 of 4 stars). 5 submissions from 5 submitters: Uncertain significance (5). Last evaluated 2025-07-22.

Conditions:
Hereditary cancer-predisposing syndrome. Also called: Tumor predisposition; Hereditary neoplastic syndrome; Neoplastic Syndromes, Hereditary; Hereditary Cancer Syndrome. Identifiers: Orphanet 140162, MedGen C0027672, MeSH D009386, MONDO:0015356.
Hereditary breast ovarian cancer syndrome. Also called: Hereditary breast and ovarian cancer; Breast and ovarian cancer; Hereditary breast and ovarian cancer syndrome (HBOC); Hereditary breast and/or ovarian cancer syndrome; Hereditary breast and ovarian cancer syndrome; BRCA1- and BRCA2-Associated Hereditary Breast and Ovarian Cancer. Identifiers: Orphanet 145, MedGen C0677776, MeSH D061325, MONDO:0003582. Disease mechanism: loss of function.

Allele frequency attached by ClinVar (database versions not stated): gnomAD exomes below 0.00001.
gnomAD v4.1: 1 of 1,612,150 alleles (0.000062%); highest among the groups gnomAD compares: Non-Finnish European, 0.000085%; no homozygotes.

Submissions (5):

Labcorp Genetics (formerly Invitae), Labcorp
Classification: Uncertain significance for Hereditary breast ovarian cancer syndrome. Last evaluated: 2025-07-22. Review status: criteria provided, single submitter. Criteria: Invitae Variant Classification Sherloc (09022015). Collection method: clinical testing. Allele origin: germline.
Comment: This sequence change replaces asparagine, which is neutral and polar, with serine, which is neutral and polar, at codon 235 of the BRCA2 protein (p.Asn235Ser). This variant is not present in population databases (gnomAD no frequency). This variant has not been reported in the literature in individuals affected with BRCA2-related conditions. ClinVar contains an entry for this variant (Variation ID: 132759). Invitae Evidence Modeling of protein sequence and biophysical properties (such as structural, functional, and spatial information, amino acid conservation, physicochemical variation, residue mobility, and thermodynamic stability) indicates that this missense variant is not expected to disrupt BRCA2 protein function with a negative predictive value of 95%. In summary, the available evidence is currently insufficient to determine the role of this variant in disease. Therefore, it has been classified as a Variant of Uncertain Significance.

Ambry Genetics
Classification: Uncertain significance for Hereditary cancer-predisposing syndrome. Last evaluated: 2025-06-08. Review status: criteria provided, single submitter. Criteria: Ambry Variant Classification Scheme 2023. Collection method: clinical testing. Allele origin: germline.
Comment: The p.N235S variant (also known as c.704A>G), located in coding exon 8 of the BRCA2 gene, results from an A to G substitution at nucleotide position 704. The asparagine at codon 235 is replaced by serine, an amino acid with highly similar properties. This amino acid position is not well conserved in available vertebrate species. In addition, this alteration is predicted to be tolerated by in silico analysis. Since supporting evidence is limited at this time, the clinical significance of this alteration remains unclear.

Quest Diagnostics Nichols Institute San Juan Capistrano
Classification: Uncertain significance. Last evaluated: 2023-11-15. Review status: criteria provided, single submitter. Criteria: Quest Diagnostics criteria. Collection method: clinical testing. Allele origin: unknown.
Comment: The BRCA2 c.704A>G (p.Asn235Ser) variant has been reported in the published literature in unaffected individuals (PMID: 33471991 (2021), see also LOVD). This variant has not been reported in large, multi-ethnic general populations (Genome Aggregation Database). Analysis of this variant using bioinformatics tools for the prediction of the effect of amino acid changes on protein structure and function yielded predictions that this variant is benign. Based on the available information, we are unable to determine the clinical significance of this variant.

Color Diagnostics, LLC DBA Color Health
Classification: Uncertain significance for Hereditary cancer-predisposing syndrome. Last evaluated: 2022-06-21. Review status: criteria provided, single submitter. Criteria: ACMG Guidelines, 2015. Collection method: clinical testing. Allele origin: germline.
Comment: This missense variant replaces asparagine with serine at codon 235 of the BRCA2 protein. Computational prediction suggests that this variant may not impact protein structure and function (internally defined REVEL score threshold <= 0.5, PMID: 27666373). To our knowledge, functional studies have not been reported for this variant. This variant has not been reported in individuals affected with hereditary cancer in the literature. This variant has not been identified in the general population by the Genome Aggregation Database (gnomAD). The available evidence is insufficient to determine the role of this variant in disease conclusively. Therefore, this variant is classified as a Variant of Uncertain Significance.

Women's Health and Genetics/Laboratory Corporation of America, LabCorp
Classification: Uncertain significance. Last evaluated: 2021-09-11. Review status: criteria provided, single submitter. Criteria: LabCorp Variant Classification Summary - May 2015. Collection method: clinical testing. Allele origin: germline.

Literature cited by the submitters: PubMed 33471991 (cited by Quest Diagnostics Nichols Institute San Juan Capistrano).